The following is an entry in ClinVar:

NM_206933.4(USH2A):c.1883T>C (p.Val628Ala)

Gene: USH2A (usherin; minus strand). Cytogenetic location: 1q41.
Variant type: single nucleotide variant.
Coding change: c.1883T>C on transcript NM_206933.4 (MANE Select); coding-DNA position 1883, T replaced by C.
Protein change: p.Val628Ala; replaces valine 628 with alanine.
Molecular consequence: missense variant.
Genome position (GRCh38, 1-based): chr1:216,289,368, A>G on the plus strand (T>C on the coding strand, the complement: USH2A is on the minus strand). VCF-style: chr1-216289368-A-G. GRCh37 (hg19) VCF-style: chr1-216462710-A-G.
Other names: c.1883T>C (NM_206933.2); c.1883T>C, p.Val628Ala (NM_007123.6); short protein forms V628A.
Identifiers: ClinVar variation 4939409 (VCV004939409.2).

ClinVar aggregate classification (germline): Uncertain significance. Review status: criteria provided, multiple submitters, no conflicts (2 of 4 stars). 2 submissions from 2 submitters: Uncertain significance (2). Last evaluated 2026-08-26.

Conditions:
USH2A-related disorder. Also called: USH2A-related disorders; USH2A-related condition. Identifiers: MedGen CN239332.

Submissions (2):

PreventionGenetics, part of Exact Sciences
Classification: Uncertain significance for USH2A-related condition. Last evaluated: 2026-08-26. Review status: criteria provided, single submitter. Criteria: ACMG Guidelines, 2015. Collection method: clinical testing. Allele origin: germline.
Comment: The USH2A c.1883T>C variant is predicted to result in the amino acid substitution p.Val628Ala. To our knowledge, this variant has not been reported in the literature. This variant is reported in 0.0033% of alleles in individuals of South Asian descent in gnomAD. At this time, the clinical significance of this variant is uncertain due to the absence of conclusive functional and genetic evidence.

Blueprint Genetics
Classification: Uncertain significance. Last evaluated: 2017-08-01. Review status: criteria provided, single submitter. Criteria: ACMG Guidelines, 2015. Collection method: clinical testing. Allele origin: germline.